The following is an entry in ClinVar:

ClinVar aggregate classification (germline): Likely benign (1 of 4 stars; one submission).

Conditions:
Marfan syndrome (MFS). Also called: MARFAN SYNDROME, TYPE I; Marfan syndrome type 1; Marfan's syndrome; Marfan syndrome, classic; FBN1-Related Marfan Syndrome. Identifiers: Orphanet 284963, Orphanet 558, MedGen C0024796, MONDO:0007947, OMIM 154700.

Allele frequency attached by ClinVar (database versions not stated): gnomAD exomes below 0.00001.
gnomAD v4.1: 2 of 1,609,920 alleles (0.00012%); highest among the groups gnomAD compares: Non-Finnish European, 0.00017%; no homozygotes.

Submission:

All of Us Research Program, National Institutes of Health
Classification: Likely benign for Marfan syndrome. Last evaluated: 2023-08-15. Review status: criteria provided, single submitter. Criteria: ACMG Guidelines, 2015. Collection method: clinical testing. Allele origin: germline. Inheritance: Autosomal dominant inheritance. Observed: 1 variant allele, 1 heterozygote.
Comment: This study involves interpretation of variants in research participants for the purpose of population health screening. Participant phenotype was not available at the time of variant classification. Additional details can be found in publication PMID: 35346344, PMCID: PMC8962531

NM_000138.5(FBN1):c.345C>T (p.Ser115=)

Gene: FBN1 (fibrillin 1; minus strand). Cytogenetic location: 15q21.1.
Variant type: single nucleotide variant.
Coding change: c.345C>T on transcript NM_000138.5 (MANE Select); coding-DNA position 345, C replaced by T.
Protein change: p.Ser115=; no amino-acid change (serine 115 retained).
Molecular consequence: synonymous variant.
Genome position (GRCh38, 1-based): chr15:48,610,729, G>A on the plus strand (C>T on the coding strand, the complement: FBN1 is on the minus strand). VCF-style: chr15-48610729-G-A. GRCh37 (hg19) VCF-style: chr15-48902926-G-A.
Other names: c.345C>T, p.Ser115= (NM_001406716.1, NM_001406717.1).
Identifiers: ClinVar variation 3072961 (VCV003072961.1), dbSNP rs2505775553, ClinGen allele CA490090164.